The following is an entry in ClinVar:

NM_005732.4(RAD50):c.2912A>G (p.Asp971Gly)

Gene: RAD50 (RAD50 double strand break repair protein; plus strand). Cytogenetic location: 5q31.1.
Variant type: single nucleotide variant.
Coding change: c.2912A>G on transcript NM_005732.4 (MANE Select); coding-DNA position 2912, A replaced by G.
Protein change: p.Asp971Gly; replaces aspartic acid 971 with glycine.
Molecular consequence: missense variant.
Genome position (GRCh38, 1-based): chr5:132,609,199, A>G. VCF-style: chr5-132609199-A-G. GRCh37 (hg19) VCF-style: chr5-131944891-A-G.
Other names: short protein forms D971G.
Identifiers: ClinVar variation 1797594 (VCV001797594.3), dbSNP rs1751039564, ClinGen allele CA360960024.

ClinVar aggregate classification (germline): Uncertain significance (1 of 4 stars; one submission).

Conditions:
Hereditary cancer-predisposing syndrome. Also called: Neoplastic Syndromes, Hereditary; Tumor predisposition; Hereditary Cancer Syndrome; Hereditary neoplastic syndrome. Identifiers: Orphanet 140162, MedGen C0027672, MeSH D009386, MONDO:0015356.

Submission:

Ambry Genetics
Classification: Uncertain significance for Hereditary cancer-predisposing syndrome. Last evaluated: 2025-05-21. Review status: criteria provided, single submitter. Criteria: Ambry Variant Classification Scheme 2023. Collection method: clinical testing. Allele origin: germline.
Comment: The p.D971G variant (also known as c.2912A>G), located in coding exon 18 of the RAD50 gene, results from an A to G substitution at nucleotide position 2912. The aspartic acid at codon 971 is replaced by glycine, an amino acid with similar properties. This amino acid position is conserved. In addition, this alteration is predicted to be tolerated by in silico analysis. Since supporting evidence is limited at this time, the clinical significance of this alteration remains unclear.